The following is an entry in ClinVar:

ClinVar aggregate classification (germline): Uncertain significance (1 of 4 stars; one submission).

Conditions:
Intellectual developmental disorder, autosomal dominant 1. Also called: MBD5 Haploinsufficiency; Intellectual disability, autosomal dominant 1. Identifiers: Orphanet 228402, MedGen C1969562, MONDO:0007974, OMIM 156200.

gnomAD v4.1: 3 of 1,614,040 alleles (0.00019%); highest among the groups gnomAD compares: Non-Finnish European, 0.00017%; no homozygotes.

Submission:

Labcorp Genetics (formerly Invitae), Labcorp
Classification: Uncertain significance for Intellectual developmental disorder, autosomal dominant 1. Last evaluated: 2025-05-22. Review status: criteria provided, single submitter. Criteria: Invitae Variant Classification Sherloc (09022015). Collection method: clinical testing. Allele origin: germline.
Comment: This sequence change replaces valine, which is neutral and non-polar, with alanine, which is neutral and non-polar, at codon 1330 of the MBD5 protein (p.Val1330Ala). This variant is present in population databases (no rsID available, gnomAD 0.03%). This variant has not been reported in the literature in individuals affected with MBD5-related conditions. Experimental studies and prediction algorithms are not available or were not evaluated, and the functional significance of this variant is currently unknown. In summary, the available evidence is currently insufficient to determine the role of this variant in disease. Therefore, it has been classified as a Variant of Uncertain Significance.

NM_001378120.1(MBD5):c.4688T>C (p.Val1563Ala)

Gene: MBD5 (methyl-CpG binding domain protein 5; plus strand). Cytogenetic location: 2q23.1.
Variant type: single nucleotide variant.
Coding change: c.4688T>C on transcript NM_001378120.1 (MANE Select); coding-DNA position 4688, T replaced by C.
Protein change: p.Val1563Ala; replaces valine 1563 with alanine.
Molecular consequence: missense variant.
Genome position (GRCh38, 1-based): chr2:148,490,320, T>C. VCF-style: chr2-148490320-T-C. GRCh37 (hg19) VCF-style: chr2-149247889-T-C.
Other names: c.4688T>C, p.Val1563Ala (NM_001438854.1, NM_001438856.1, NM_001438857.1 and 1 more transcripts); c.3989T>C, p.Val1330Ala (NM_001438855.1, NM_001438859.1, NM_001438860.1 and 3 more transcripts); short protein forms V1330A, V1563A.
Identifiers: ClinVar variation 4808944 (VCV004808944.1).